The following is an entry in ClinVar:

NM_001351132.2(PEX5):c.472del (p.Arg158fs)

Gene: PEX5 (peroxisomal biogenesis factor 5; plus strand). Cytogenetic location: 12p13.31.
Variant type: Deletion.
Coding change: c.472del on transcript NM_001351132.2 (MANE Select); coding-DNA position 472, one base deleted (C; older notation c.472delC).
Protein change: p.Arg158fs; shifts the reading frame from arginine 158.
Molecular consequence: frameshift variant.
Genome position (GRCh38, 1-based): chr12:7,199,034, C deleted; the last of 3 consecutive C bases (chr12:7,199,032-7,199,034); deleting any one gives the same sequence. VCF-style (leftmost placement, unchanged base first): chr12-7199031-GC-G. GRCh37 (hg19) VCF-style: chr12-7351627-GC-G.
Other names: c.472del, p.Arg158fs (NM_000319.5, NM_001131024.2, NM_001131025.2 and 19 more transcripts); c.517del, p.Arg173fs (NM_001131023.2, NM_001351135.3, NM_001351138.2); short protein forms R173fs, R158fs.
Identifiers: ClinVar variation 1458895 (VCV001458895.6), dbSNP rs2136074154, ClinGen allele CA2573148411.
Genomic context (GRCh38, chr12:7,199,031, plus strand): 5'-ATGAACCTGTGTGATTTCCCCACTTCTCTGCTCCTTGCAGACCCCTTGTCTGTGTCCCCT[GC>G]CCGCTGGGCTGAGGAATATTTGGAGCAATCAGAGGAGAAGCTGTGGCTGGGAGAACCTGA-3'

ClinVar aggregate classification (germline): Pathogenic (1 of 4 stars; one submission).

Conditions:
Peroxisome biogenesis disorder 2B (PBD2B). Identifiers: Orphanet 44, MedGen C3550234, MONDO:0008736, OMIM 202370.

Submission:

Labcorp Genetics (formerly Invitae), Labcorp
Classification: Pathogenic for Peroxisome biogenesis disorder 2B. Last evaluated: 2022-07-11. Review status: criteria provided, single submitter. Criteria: Invitae Variant Classification Sherloc (09022015). Collection method: clinical testing. Allele origin: germline.
Comment: This variant is not present in population databases (gnomAD no frequency). This variant has not been reported in the literature in individuals affected with PEX5-related conditions. ClinVar contains an entry for this variant (Variation ID: 1458895). For these reasons, this variant has been classified as Pathogenic. This sequence change creates a premature translational stop signal (p.Arg158Alafs*59) in the PEX5 gene. It is expected to result in an absent or disrupted protein product. Loss-of-function variants in PEX5 are known to be pathogenic (PMID: 18712838, 21031596).

Literature cited by the submitters: PubMed 18712838; PubMed 21031596.